The following is an entry in ClinVar:

NM_005502.4(ABCA1):c.4306T>C (p.Trp1436Arg)

Gene: ABCA1 (ATP binding cassette subfamily A member 1; minus strand). Cytogenetic location: 9q31.1.
Variant type: single nucleotide variant.
Coding change: c.4306T>C on transcript NM_005502.4 (MANE Select); coding-DNA position 4306, T replaced by C.
Protein change: p.Trp1436Arg; replaces tryptophan 1436 with arginine.
Molecular consequence: missense variant.
Genome position (GRCh38, 1-based): chr9:104,806,399, A>G on the plus strand (T>C on the coding strand, the complement: ABCA1 is on the minus strand). VCF-style: chr9-104806399-A-G. GRCh37 (hg19) VCF-style: chr9-107568680-A-G.
Other names: short protein forms W1436R.
Identifiers: ClinVar variation 4843950 (VCV004843950.1).

ClinVar aggregate classification (germline): Uncertain significance (1 of 4 stars; one submission).

Conditions:
Cardiovascular phenotype. Identifiers: MedGen CN230736.

gnomAD v4.1: 2 of 1,613,680 alleles (0.00012%); highest among the groups gnomAD compares: African/African-American, 0.0027%; no homozygotes.

Submission:

Ambry Genetics
Classification: Uncertain significance for Cardiovascular phenotype. Last evaluated: 2026-01-06. Review status: criteria provided, single submitter. Criteria: Ambry Variant Classification Scheme 2023. Collection method: clinical testing. Allele origin: germline.
Comment: The p.W1436R variant (also known as c.4306T>C), located in coding exon 30 of the ABCA1 gene, results from a T to C substitution at nucleotide position 4306. The tryptophan at codon 1436 is replaced by arginine, an amino acid with dissimilar properties. This amino acid position is conserved. In addition, this alteration is predicted to be deleterious by in silico analysis. Based on the available evidence, the clinical significance of this variant remains unclear.